The following is an entry in ClinVar:

NM_006767.4(LZTR1):c.1491del (p.Gly498fs)

Gene: LZTR1 (leucine zipper like post translational regulator 1; plus strand). Cytogenetic location: 22q11.21.
Variant type: Deletion.
Coding change: c.1491del on transcript NM_006767.4 (MANE Select); coding-DNA position 1491, one base deleted (C; older notation c.1491delC).
Protein change: p.Gly498fs; shifts the reading frame from glycine 498.
Molecular consequence: frameshift variant.
Genome position (GRCh38, 1-based): chr22:20,994,145, C deleted; the last of 5 consecutive C bases (chr22:20,994,141-20,994,145); deleting any one gives the same sequence. VCF-style (leftmost placement, unchanged base first): chr22-20994140-GC-G. GRCh37 (hg19) VCF-style: chr22-21348429-GC-G.
Other names: short protein forms G498fs.
Identifiers: ClinVar variation 1773792 (VCV001773792.2), dbSNP rs2518620797, ClinGen allele CA2573332418.
Genomic context (GRCh38, chr22:20,994,140, plus strand): 5'-CCTTGAGCTCCCTTCTCCCCACAGAAGCTGGAGCAGGAGGCCGCCCCAGTTCCCAGGGAG[GC>G]CCCCGGCGTGGCTGCTGGTGGGGCCCGGCCGCCCCTGCTGCACGTGGCCATCCGGGAGGC-3'

ClinVar aggregate classification (germline): Pathogenic (1 of 4 stars; one submission).

Conditions:
Cardiovascular phenotype. Identifiers: MedGen CN230736.
Hereditary cancer-predisposing syndrome. Also called: Hereditary Cancer Syndrome; Hereditary neoplastic syndrome; Neoplastic Syndromes, Hereditary; Tumor predisposition. Identifiers: Orphanet 140162, MedGen C0027672, MeSH D009386, MONDO:0015356.

Submission:

Ambry Genetics
Classification: Pathogenic for Cardiovascular phenotype; Hereditary cancer-predisposing syndrome. Last evaluated: 2022-09-06. Review status: criteria provided, single submitter. Criteria: Ambry Variant Classification Scheme 2023. Collection method: clinical testing. Allele origin: germline.
Comment: The c.1491delC pathogenic mutation, located in coding exon 14 of the LZTR1 gene, results from a deletion of one nucleotide at nucleotide position 1491, causing a translational frameshift with a predicted alternate stop codon (p.G498Afs*58). This alteration is expected to result in loss of function by premature protein truncation or nonsense-mediated mRNA decay. Loss-of-function variants in LZTR1 are related to an increased risk for schwannomas and autosomal recessive Noonan syndrome; however, such associations with autosomal dominant Noonan syndrome have not been observed (Piotrowski A et al. Nat Genet. 2014 Feb;46:182-7; Yamamoto GL et al. J Med Genet. 2015 Jun;52:413-21; Johnston JJ et al. Genet Med. 2018 10;20:1175-1185). Based on the supporting evidence, this variant is pathogenic for an increased risk of LZTR1-related schwannomatosis (SWN) and would be expected to cause autosomal recessive Noonan syndrome when present along with a second pathogenic or likely pathogenic variant on the other allele; however, the association of this alteration with autosomal dominant Noonan syndrome is unlikely.